The following is an entry in ClinVar:

ClinVar aggregate classification (germline): Uncertain significance. Review status: criteria provided, multiple submitters, no conflicts (2 of 4 stars). 2 submissions from 2 submitters: Uncertain significance (2). Last evaluated 2025-01-05.

Allele frequency attached by ClinVar (database versions not stated): gnomAD exomes below 0.00001.
gnomAD v4.1: 3 of 1,611,836 alleles (0.00019%); highest among the groups gnomAD compares: East Asian, 0.0022%; no homozygotes.

Submissions (2):

Ambry Genetics
Classification: Uncertain significance. Last evaluated: 2025-01-05. Review status: criteria provided, single submitter. Criteria: Ambry Variant Classification Scheme 2023. Collection method: clinical testing. Allele origin: germline.
Comment: The p.T303I variant (also known as c.908C>T), located in coding exon 7 of the GEN1 gene, results from a C to T substitution at nucleotide position 908. The threonine at codon 303 is replaced by isoleucine, an amino acid with similar properties. This amino acid position is conserved. In addition, this alteration is predicted to be tolerated by in silico analysis. Based on the available evidence, the clinical significance of this variant remains unclear.

Labcorp Genetics (formerly Invitae), Labcorp
Classification: Uncertain significance. Last evaluated: 2020-03-31. Review status: criteria provided, single submitter. Criteria: Invitae Variant Classification Sherloc (09022015). Collection method: clinical testing. Allele origin: germline.
Comment: This sequence change replaces threonine with isoleucine at codon 303 of the GEN1 protein (p.Thr303Ile). The threonine residue is moderately conserved and there is a moderate physicochemical difference between threonine and isoleucine. This variant is not present in population databases (ExAC no frequency). This variant has not been reported in the literature in individuals with GEN1-related conditions. Algorithms developed to predict the effect of missense changes on protein structure and function output the following: SIFT: "Tolerated"; PolyPhen-2: "Benign"; Align-GVGD: "Class C0". The isoleucine amino acid residue is found in multiple mammalian species, suggesting that this missense change does not adversely affect protein function. These predictions have not been confirmed by published functional studies and their clinical significance is uncertain. In summary, the available evidence is currently insufficient to determine the role of this variant in disease. Therefore, it has been classified as a Variant of Uncertain Significance.

NM_001130009.3(GEN1):c.908C>T (p.Thr303Ile)

Gene: GEN1 (GEN1 structure-specific endonuclease; plus strand). Cytogenetic location: 2p24.2.
Variant type: single nucleotide variant.
Coding change: c.908C>T on transcript NM_001130009.3 (MANE Select); coding-DNA position 908, C replaced by T.
Protein change: p.Thr303Ile; replaces threonine 303 with isoleucine.
Molecular consequence: missense variant.
Genome position (GRCh38, 1-based): chr2:17,772,739, C>T. VCF-style: chr2-17772739-C-T. GRCh37 (hg19) VCF-style: chr2-17954006-C-T.
Other names: c.908C>T (NM_001130009.1); c.908C>T, p.Thr303Ile (NM_182625.5); short protein forms T303I.
Identifiers: ClinVar variation 1042991 (VCV001042991.9), dbSNP rs1672250738, ClinGen allele CA345917353.